The following is an entry in ClinVar:

NM_000834.5(GRIN2B):c.4386del (p.Arg1463fs)

Gene: GRIN2B (glutamate ionotropic receptor NMDA type subunit 2B; minus strand). Cytogenetic location: 12p13.1.
Variant type: Deletion.
Coding change: c.4386del on transcript NM_000834.5 (MANE Select); coding-DNA position 4386, one base deleted (C; older notation c.4386delC).
Protein change: p.Arg1463fs; shifts the reading frame from arginine 1463.
Molecular consequence: frameshift variant.
Genome position (GRCh38, 1-based): chr12:13,562,852, G deleted on the plus strand (C on the coding strand, the reverse complement: GRIN2B is on the minus strand); the first of 4 consecutive G bases (chr12:13,562,852-13,562,855); deleting any one gives the same sequence. VCF-style (leftmost placement, unchanged base first): chr12-13562851-TG-T. GRCh37 (hg19) VCF-style: chr12-13715785-TG-T.
Other names: c.4386del, p.Arg1463fs (NM_001413992.1); short protein forms R1463fs.
Identifiers: ClinVar variation 3893269 (VCV003893269.1).

ClinVar aggregate classification (germline): Likely pathogenic (1 of 4 stars; one submission).

Conditions:
Developmental and epileptic encephalopathy, 27 (DEE27). Also called: GRIN2B-Related Neurodevelopmental Disorder; Epileptic encephalopathy, early infantile, 27. Identifiers: Orphanet 3451, MedGen C4015316, MONDO:0014505, OMIM 616139.

Submission:

Illumina Laboratory Services, Illumina
Classification: Likely pathogenic for Developmental and epileptic encephalopathy, 27. Last evaluated: 2024-03-05. Review status: criteria provided, single submitter. Criteria: ICSLVariantClassificationCriteria RUGD 01 April 2020. Collection method: clinical testing. Allele origin: unknown.
Comment: The GRIN2B c.4386del p.(Arg1463GlyfsTer24) variant causes a shift in the protein reading frame that is predicted to result in premature termination of the protein. This variant occurs in the last exon of the gene and the resulting transcript may escape nonsense-mediated mRNA decay. To our knowledge, this variant has not been reported in the peer-reviewed literature. This variant is not observed in version 2.1.1 or version 4.0.0 of the Genome Aggregation Database. The variant is located in the NMDAR2_C domain of the protein. Based on the available evidence, the c.4386del p.(Arg1463GlyfsTer24) variant is classified as likely pathogenic for GRIN2B-related neurodevelopmental disorder.